The following is an entry in ClinVar:

NM_007294.4(BRCA1):c.1180G>A (p.Gly394Ser)

Gene: BRCA1 (BRCA1 DNA repair associated; minus strand). Cytogenetic location: 17q21.31.
Variant type: single nucleotide variant.
Coding change: c.1180G>A on transcript NM_007294.4 (MANE Select); coding-DNA position 1180, G replaced by A.
Protein change: p.Gly394Ser; replaces glycine 394 with serine.
Molecular consequence: missense variant. On other transcripts: intron variant (137).
Genome position (GRCh38, 1-based): chr17:43,094,351, C>T on the plus strand (G>A on the coding strand, the complement: BRCA1 is on the minus strand). VCF-style: chr17-43094351-C-T. GRCh37 (hg19) VCF-style: chr17-41246368-C-T.
Other names: c.787+393G>A (NM_001408403.1, NM_001407983.1, NM_001407975.1 and 19 more transcripts); c.790+390G>A (NM_001408406.1); c.646+393G>A (NM_001408456.1, NM_001408410.1, NM_001408458.1 and 11 more transcripts); c.643+393G>A (NM_001408465.1, NM_001408463.1, NM_001408462.1 and 3 more transcripts); c.577+393G>A (NM_001408482.1, NM_001408484.1, NM_001408478.1 and 9 more transcripts); c.520+393G>A (NM_001408504.1, NM_001408503.1, NM_001408505.1); c.523+393G>A (NM_001408499.1, NM_001408498.1, NM_001408501.1 and 3 more transcripts); c.670+1495G>A (NM_001408422.1, NM_001408418.1, NM_001408423.1 and 2 more transcripts); and 40 more; short protein forms G347S, G394S, G306S, G327S, G352S, G367S, G226S, G391S.
Identifiers: ClinVar variation 1464620 (VCV001464620.11), dbSNP rs771837028, ClinGen allele CA10599691.
Genomic context (GRCh38, chr17:43,094,351, plus strand): 5'-CCAATACATCAGCTACTTTGGCATTTGATTCAGACTCCCCATCATGTGAGTCATCAGAAC[C>T]TAACAGTTCATCACTTCTGGAAAACCACTCATTAACTTTCTGAATGCTGCTATTTAGTGT-3'
Protein context (NP_009225.1, residues 384-404): EWFSRSDELL[Gly394Ser]SDDSHDGESE

ClinVar aggregate classification (germline): Conflicting classifications of pathogenicity. Review status: criteria provided, conflicting classifications (1 of 4 stars). 2 submissions from 2 submitters: Uncertain significance (1); Likely benign (1). Last evaluated 2023-03-23.

Conditions:
Hereditary breast ovarian cancer syndrome. Also called: Hereditary breast and ovarian cancer; Breast and ovarian cancer; BRCA1- and BRCA2-Associated Hereditary Breast and Ovarian Cancer; Hereditary breast and/or ovarian cancer syndrome; Hereditary breast and ovarian cancer syndrome; Hereditary breast and ovarian cancer syndrome (HBOC). Identifiers: Orphanet 145, MedGen C0677776, MeSH D061325, MONDO:0003582. Disease mechanism: loss of function.
Hereditary cancer-predisposing syndrome. Also called: Tumor predisposition; Hereditary neoplastic syndrome; Hereditary Cancer Syndrome; Neoplastic Syndromes, Hereditary. Identifiers: Orphanet 140162, MedGen C0027672, MeSH D009386, MONDO:0015356.

Submissions (2):

University of Washington Department of Laboratory Medicine, University of Washington
Classification: Likely benign for Hereditary cancer-predisposing syndrome. Last evaluated: 2023-03-23. Review status: criteria provided, single submitter. Criteria: Dines et al. (Genet Med. 2020). Collection method: curation. Allele origin: germline.
Comment: Missense variant in a coldspot region where missense variants are very unlikely to be pathogenic (PMID:31911673).

BRCA1 coldspot (exon 11 using historical exon numbering). Reclassification based on statistical prior probability

Labcorp Genetics (formerly Invitae), Labcorp
Classification: Uncertain significance for Hereditary breast ovarian cancer syndrome. Last evaluated: 2021-02-24. Review status: criteria provided, single submitter. Criteria: Invitae Variant Classification Sherloc (09022015). Collection method: clinical testing. Allele origin: germline.
Comment: In summary, the available evidence is currently insufficient to determine the role of this variant in disease. Therefore, it has been classified as a Variant of Uncertain Significance. Advanced modeling of protein sequence and biophysical properties (such as structural, functional, and spatial information, amino acid conservation, physicochemical variation, residue mobility, and thermodynamic stability) performed at Invitae indicates that this missense variant is not expected to disrupt BRCA1 protein function. This variant has not been reported in the literature in individuals with BRCA1-related conditions. This variant is not present in population databases (ExAC no frequency). This sequence change replaces glycine with serine at codon 394 of the BRCA1 protein (p.Gly394Ser). The glycine residue is weakly conserved and there is a small physicochemical difference between glycine and serine.